The following is an entry in ClinVar:

ClinVar aggregate classification (germline): Uncertain significance (1 of 4 stars; one submission).

gnomAD v4.1: 1 of 1,614,010 alleles (0.000062%); highest among the groups gnomAD compares: Non-Finnish European, 0.000085%; no homozygotes.

Submission:

Labcorp Genetics (formerly Invitae), Labcorp
Classification: Uncertain significance. Last evaluated: 2025-03-18. Review status: criteria provided, single submitter. Criteria: Invitae Variant Classification Sherloc (09022015). Collection method: clinical testing. Allele origin: germline.
Comment: This sequence change replaces arginine, which is basic and polar, with leucine, which is neutral and non-polar, at codon 184 of the CLCNKB protein (p.Arg184Leu). This variant is not present in population databases (gnomAD no frequency). This variant has not been reported in the literature in individuals affected with CLCNKB-related conditions. ClinVar contains an entry for this variant (Variation ID: 1515719). Invitae Evidence Modeling of protein sequence and biophysical properties (such as structural, functional, and spatial information, amino acid conservation, physicochemical variation, residue mobility, and thermodynamic stability) indicates that this missense variant is not expected to disrupt CLCNKB protein function with a negative predictive value of 80%. In summary, the available evidence is currently insufficient to determine the role of this variant in disease. Therefore, it has been classified as a Variant of Uncertain Significance.

NM_000085.5(CLCNKB):c.551G>T (p.Arg184Leu)

Genes: CLCNKB (chloride voltage-gated channel Kb; plus strand), LOC106501713 (CLCNKB recombination region; plus strand). Cytogenetic location: 1p36.13.
Variant type: single nucleotide variant.
Coding change: c.551G>T on transcript NM_000085.5 (MANE Select); coding-DNA position 551, G replaced by T.
Protein change: p.Arg184Leu; replaces arginine 184 with leucine.
Molecular consequence: missense variant.
Genome position (GRCh38, 1-based): chr1:16,048,395, G>T. VCF-style: chr1-16048395-G-T. GRCh37 (hg19) VCF-style: chr1-16374890-G-T.
Other names: short protein forms R184L.
Identifiers: ClinVar variation 1515719 (VCV001515719.6), dbSNP rs1384476495, ClinGen allele CA338634980.